The following is an entry in ClinVar:

NM_000520.6(HEXA):c.1467G>C (p.Leu489Phe)

Gene: HEXA (hexosaminidase subunit alpha; minus strand). Cytogenetic location: 15q23.
Variant type: single nucleotide variant.
Coding change: c.1467G>C on transcript NM_000520.6 (MANE Select); coding-DNA position 1467, G replaced by C.
Protein change: p.Leu489Phe; replaces leucine 489 with phenylalanine.
Molecular consequence: missense variant. On other transcripts: non-coding transcript variant (1).
Genome position (GRCh38, 1-based): chr15:72,345,505, C>G on the plus strand (G>C on the coding strand, the complement: HEXA is on the minus strand). VCF-style: chr15-72345505-C-G. GRCh37 (hg19) VCF-style: chr15-72637846-C-G.
Other names: c.1500G>C, p.Leu500Phe (NM_001318825.2); short protein forms L489F, L500F.
Identifiers: ClinVar variation 2121072 (VCV002121072.4), dbSNP rs2088600361, ClinGen allele CA393058737.

ClinVar aggregate classification (germline): Uncertain significance (1 of 4 stars; one submission).

Conditions:
Tay-Sachs disease (TSD). Also called: HEXA DEFICIENCY; GM2 gangliosidosis, type 1; HEXA Disorders; Hexosaminidase alpha-subunit deficiency (variant B); Sphingolipidosis, Tay-Sachs; Hexosaminidase A Deficiency. Identifiers: Orphanet 845, MedGen C0039373, MONDO:0010100, OMIM 272800.

Allele frequency attached by ClinVar (database versions not stated): TOPMed below 0.00001.

Submission:

Labcorp Genetics (formerly Invitae), Labcorp
Classification: Uncertain significance for Tay-Sachs disease. Last evaluated: 2022-04-03. Review status: criteria provided, single submitter. Criteria: Invitae Variant Classification Sherloc (09022015). Collection method: clinical testing. Allele origin: germline.
Comment: This sequence change replaces leucine, which is neutral and non-polar, with phenylalanine, which is neutral and non-polar, at codon 489 of the HEXA protein (p.Leu489Phe). This variant is not present in population databases (gnomAD no frequency). This variant has not been reported in the literature in individuals affected with HEXA-related conditions. Algorithms developed to predict the effect of missense changes on protein structure and function (SIFT, PolyPhen-2, Align-GVGD) all suggest that this variant is likely to be tolerated. In summary, the available evidence is currently insufficient to determine the role of this variant in disease. Therefore, it has been classified as a Variant of Uncertain Significance.